The following is an entry in ClinVar:

NM_000321.3(RB1):c.1502G>A (p.Ser501Asn)

Gene: RB1 (RB transcriptional corepressor 1; plus strand). Cytogenetic location: 13q14.2.
Variant type: single nucleotide variant.
Coding change: c.1502G>A on transcript NM_000321.3 (MANE Select); coding-DNA position 1502, G replaced by A.
Protein change: p.Ser501Asn; replaces serine 501 with asparagine.
Molecular consequence: missense variant.
Genome position (GRCh38, 1-based): chr13:48,381,250, G>A. VCF-style: chr13-48381250-G-A. GRCh37 (hg19) VCF-style: chr13-48955386-G-A.
Other names: short protein forms S501N.
Identifiers: ClinVar variation 1423112 (VCV001423112.6), dbSNP rs2138144811, ClinGen allele CA388163271.

ClinVar aggregate classification (germline): Uncertain significance (1 of 4 stars; one submission).

Conditions:
Retinoblastoma (RB1). Also called: RETINOBLASTOMA, SOMATIC. Identifiers: Orphanet 790, MedGen C0035335, MeSH D012175, MONDO:0008380, OMIM 180200, HP:0009919. Disease mechanism: loss of function. Inheritance: Both sporadic and heritable forms are tested..

Allele frequency attached by ClinVar (database versions not stated): gnomAD exomes 0.00001.
gnomAD v4.1: 7 of 1,604,426 alleles (0.00044%); highest among the groups gnomAD compares: South Asian, 0.0011%; no homozygotes.

Submission:

Labcorp Genetics (formerly Invitae), Labcorp
Classification: Uncertain significance for Retinoblastoma. Last evaluated: 2024-06-11. Review status: criteria provided, single submitter. Criteria: Invitae Variant Classification Sherloc (09022015). Collection method: clinical testing. Allele origin: germline.
Comment: This sequence change replaces serine, which is neutral and polar, with asparagine, which is neutral and polar, at codon 501 of the RB1 protein (p.Ser501Asn). This variant is not present in population databases (gnomAD no frequency). This variant has not been reported in the literature in individuals affected with RB1-related conditions. ClinVar contains an entry for this variant (Variation ID: 1423112). Algorithms developed to predict the effect of missense changes on protein structure and function output the following: SIFT: "Not Available"; PolyPhen-2: "Benign"; Align-GVGD: "Not Available". The asparagine amino acid residue is found in multiple mammalian species, which suggests that this missense change does not adversely affect protein function. In summary, the available evidence is currently insufficient to determine the role of this variant in disease. Therefore, it has been classified as a Variant of Uncertain Significance.